The following is an entry in ClinVar:

ClinVar aggregate classification (germline): Likely benign. Review status: criteria provided, multiple submitters, no conflicts (2 of 4 stars). 2 submissions from 2 submitters: Likely benign (2). Last evaluated 2026-01-15.

Conditions:
Tuberous sclerosis 2 (TSC2). Identifiers: Orphanet 805, MedGen C1860707, MONDO:0013199, OMIM 613254.

gnomAD v4.1: 1 of 1,613,096 alleles (0.000062%); highest among the groups gnomAD compares: Non-Finnish European, 0.000085%; no homozygotes.

Submissions (2):

Labcorp Genetics (formerly Invitae), Labcorp
Classification: Likely benign for Tuberous sclerosis 2. Last evaluated: 2026-01-15. Review status: criteria provided, single submitter. Criteria: Invitae Variant Classification Sherloc (09022015). Collection method: clinical testing. Allele origin: germline.

Myriad Genetics, Inc.
Classification: Likely benign for Tuberous sclerosis 2. Last evaluated: 2025-06-06. Review status: criteria provided, single submitter. Criteria: Myriad Autosomal Dominant, Autosomal Recessive and X-Linked Classification Criteria (2023). Collection method: clinical testing. Allele origin: unknown.
Comment: This variant is considered likely benign. This variant is intronic and is not expected to impact mRNA splicing.

NM_000548.5(TSC2):c.5161-16C>T

Gene: TSC2 (TSC complex subunit 2; plus strand). Cytogenetic location: 16p13.3.
Variant type: single nucleotide variant.
Coding change: c.5161-16C>T on transcript NM_000548.5 (MANE Select); 16 bases into the intron before coding-DNA position 5161, C replaced by T.
Molecular consequence: intron variant.
Genome position (GRCh38, 1-based): chr16:2,088,211, C>T. VCF-style: chr16-2088211-C-T. GRCh37 (hg19) VCF-style: chr16-2138212-C-T.
Other names: c.5092-16C>T (NM_001114382.3); c.5032-16C>T (NM_021055.3); c.5032-28C>T (NM_001370405.1); c.4963-16C>T (NM_001363528.2); c.5029-16C>T (NM_001370404.1); c.4960-16C>T (NM_001077183.3); c.4852-16C>T (NM_001318827.2); c.4429-16C>T (NM_001318831.2); and 2 more.
Identifiers: ClinVar variation 1613913 (VCV001613913.9), dbSNP rs2151626858, ClinGen allele CA2573151976.
Genomic context (GRCh38, chr16:2,088,211, plus strand): 5'-TGGGTCCAGGCGTGAGCTGGTGGGACAGGCCCAGGTGCCACCTGATAGTGAGCTCACCCC[C>T]TGCCTACGTCCCCAGATGGCCTCACAGGTGCATCATAGCCGCTCCAACCCCACCGATATC-3'